The following is an entry in ClinVar:

ClinVar aggregate classification (germline): Uncertain significance (1 of 4 stars; one submission).

Conditions:
Bardet-Biedl syndrome (BBS). Identifiers: Orphanet 110, MedGen C0752166, MONDO:0015229.

Allele frequency attached by ClinVar (database versions not stated): gnomAD exomes below 0.00001; gnomAD 0.00001; TOPMed 0.00002.
gnomAD v4.1: 5 of 1,606,524 alleles (0.00031%); highest among the groups gnomAD compares: Non-Finnish European, 0.00034%; no homozygotes.

Submission:

Labcorp Genetics (formerly Invitae), Labcorp
Classification: Uncertain significance for Bardet-Biedl syndrome. Last evaluated: 2021-09-17. Review status: criteria provided, single submitter. Criteria: Invitae Variant Classification Sherloc (09022015). Collection method: clinical testing. Allele origin: germline.
Comment: This sequence change replaces glutamine with glutamic acid at codon 11 of the BBS4 protein (p.Gln11Glu). The glutamine residue is weakly conserved and there is a small physicochemical difference between glutamine and glutamic acid. This variant is not present in population databases (ExAC no frequency). This variant has not been reported in the literature in individuals affected with BBS4-related conditions. Algorithms developed to predict the effect of missense changes on protein structure and function (SIFT, PolyPhen-2, Align-GVGD) all suggest that this variant is likely to be tolerated. In summary, the available evidence is currently insufficient to determine the role of this variant in disease. Therefore, it has been classified as a Variant of Uncertain Significance.

NM_033028.5(BBS4):c.31C>G (p.Gln11Glu)

Gene: BBS4 (Bardet-Biedl syndrome 4; plus strand). Cytogenetic location: 15q24.1.
Variant type: single nucleotide variant.
Coding change: c.31C>G on transcript NM_033028.5 (MANE Select); coding-DNA position 31, C replaced by G.
Protein change: p.Gln11Glu; replaces glutamine 11 with glutamic acid.
Molecular consequence: missense variant. On other transcripts: non-coding transcript variant (2), intron variant (1).
Genome position (GRCh38, 1-based): chr15:72,695,183, C>G. VCF-style: chr15-72695183-C-G. GRCh37 (hg19) VCF-style: chr15-72987524-C-G.
Other names: c.31C>G, p.Gln11Glu (NM_001320665.2); c.-446+8932C>G (NM_001252678.2); short protein forms Q11E.
Identifiers: ClinVar variation 1383876 (VCV001383876.5), dbSNP rs1040144478, ClinGen allele CA393075498.
Genomic context (GRCh38, chr15:72,695,183, plus strand): 5'-AGTTAGCAAGTTTATATTGTGGTGCTTCAATATAGACTACTTATTTCATTTCAGAGAACT[C>G]AATTTCCTGTATCTACTGAGTCTCAAAAACCCCGGCAGAAAAAAGGTCTGTATGCAGTTT-3'
Protein context (NP_149017.2, residues 1-21): MAEERVATRT[Gln11Glu]FPVSTESQKP